The following is an entry in ClinVar:

ClinVar aggregate classification (germline): Pathogenic/Likely pathogenic. Review status: criteria provided, multiple submitters, no conflicts (2 of 4 stars). 2 submissions from 2 submitters: Pathogenic (1); Likely pathogenic (1). Last evaluated 2025-09-04.

Conditions:
Knobloch syndrome 1 (KNO1). Identifiers: MedGen C4551775, MONDO:0800167, OMIM 267750.

Submissions (2):

Variantyx, Inc.
Classification: Likely pathogenic for Knobloch syndrome 1. Last evaluated: 2025-09-04. Review status: criteria provided, single submitter. Criteria: Variantyx Assertion Criteria 2022. Collection method: clinical testing. Allele origin: germline. Inheritance: Autosomal recessive inheritance. Affected: no.
Comment: This is a frameshift variant in the COL18A1 gene (OMIM: 120328). Pathogenic variants in this gene have been associated with autosomal recessive Knobloch syndrome type 1. This variant introduces a premature termination codon in exon 16 out of 42 and is expected to result in loss of function, which is a known disease mechanism for COL18A1 in this disorder (PMID:7802003) (PVS1). This variant has a 0.0004% maximum allele frequency in non-founder control populations (PM2). Based on the current evidence, this variant is classified as likely pathogenic for autosomal recessive Knobloch syndrome type 1.

Labcorp Genetics (formerly Invitae), Labcorp
Classification: Pathogenic. Last evaluated: 2025-04-01. Review status: criteria provided, single submitter. Criteria: Invitae Variant Classification Sherloc (09022015). Collection method: clinical testing. Allele origin: germline.
Comment: This sequence change creates a premature translational stop signal (p.Gly598Trpfs*15) in the COL18A1 gene. It is expected to result in an absent or disrupted protein product. Loss-of-function variants in COL18A1 are known to be pathogenic (PMID: 12415512, 25456301). This variant is not present in population databases (gnomAD no frequency). This variant has not been reported in the literature in individuals affected with COL18A1-related conditions. ClinVar contains an entry for this variant (Variation ID: 1387227). For these reasons, this variant has been classified as Pathogenic.

Literature cited by the submitters: PubMed 7802003 (cited by Variantyx, Inc.); PubMed 12415512 (cited by Labcorp Genetics (formerly Invitae), Labcorp); PubMed 25456301 (cited by Labcorp Genetics (formerly Invitae), Labcorp).

NM_001379500.1(COL18A1):c.1790dup (p.Gly598fs)

Gene: COL18A1 (collagen type XVIII alpha 1 chain; plus strand). Cytogenetic location: 21q22.3.
Variant type: Duplication.
Coding change: c.1790dup on transcript NM_001379500.1 (MANE Select); coding-DNA position 1790, one base duplicated (C; older notation c.1790dupC).
Protein change: p.Gly598fs; shifts the reading frame from glycine 598.
Molecular consequence: frameshift variant.
Genome position (GRCh38, 1-based): chr21:45,486,949, C duplicated; the last of 6 consecutive C bases (chr21:45,486,944-45,486,949); duplicating any one gives the same sequence. VCF-style (leftmost placement, unchanged base first): chr21-45486943-G-GC. GRCh37 (hg19) VCF-style: chr21-46906857-G-GC.
Other names: c.2330dup, p.Gly778fs (NM_030582.4); c.3035dup, p.Gly1013fs (NM_130444.3); short protein forms G1013fs, G778fs, G598fs.
Identifiers: ClinVar variation 1387227 (VCV001387227.7), dbSNP rs1230407213, ClinGen allele CA749769782.